The following is an entry in ClinVar:

NM_001130965.3(SUN1):c.732C>A (p.Ala244=)

Gene: SUN1 (Sad1 and UNC84 domain containing 1; plus strand). Cytogenetic location: 7p22.3.
Variant type: single nucleotide variant.
Coding change: c.732C>A on transcript NM_001130965.3 (MANE Select); coding-DNA position 732, C replaced by A.
Protein change: p.Ala244=; no amino-acid change (alanine 244 retained).
Molecular consequence: synonymous variant. On other transcripts: missense variant (2), non-coding transcript variant (3), intron variant (12).
Genome position (GRCh38, 1-based): chr7:851,457, C>A. VCF-style: chr7-851457-C-A. GRCh37 (hg19) VCF-style: chr7-891094-C-A.
Other names: c.732C>A, p.Ala244= (NM_001367633.1, NM_001367634.1, NM_001367653.1 and 3 more transcripts); c.386C>A, p.Pro129His (NM_001367635.1); c.975C>A, p.Ala325= (NM_001367636.1, NM_001367655.1, NM_001367666.1 and 1 more transcripts); c.843C>A, p.Ala281= (NM_001367638.1, NM_001367664.1, NM_001367696.1 and 1 more transcripts); c.276C>A, p.Ala92= (NM_001367639.1); c.1014C>A, p.Ala338= (NM_001367641.1, NM_001367698.1, NM_001367682.1); c.927C>A, p.Ala309= (NM_001367643.1, NM_001367693.1, NM_001367697.1); c.666C>A, p.Ala222= (NM_001367644.1, NM_001367701.1, NM_001367680.1); and 24 more; short protein forms P129H, P28T.
Identifiers: ClinVar variation 2657170 (VCV002657170.24), dbSNP rs1296402515, ClinGen allele CA453374214.

ClinVar aggregate classification (germline): Likely benign (1 of 4 stars; one submission).

Allele frequency attached by ClinVar (database versions not stated): TOPMed below 0.00001; gnomAD 0.00001.
gnomAD v4.1: 1 of 1,608,894 alleles (0.000062%); highest among the groups gnomAD compares: Non-Finnish European, 0.000085%; no homozygotes.

Submission:

CeGaT Center for Human Genetics Tuebingen
Classification: Likely benign. Last evaluated: 2022-04-01. Review status: criteria provided, single submitter. Criteria: CeGaT Center For Human Genetics Tuebingen Variant Classification Criteria Version 2. Collection method: clinical testing. Allele origin: germline. Affected: yes. Observed: 1 variant allele.
Comment: SUN1: BP4, BP7